The following is an entry in ClinVar:

ClinVar aggregate classification (germline): Uncertain significance (1 of 4 stars; one submission).

Conditions:
Developmental and epileptic encephalopathy 94 (DEE94). Also called: CHD2-Related Neurodevelopmental Disorders; Epileptic encephalopathy, childhood-onset. Identifiers: Orphanet 1942, Orphanet 2382, MedGen C3809278, MONDO:0014150, OMIM 615369.

Submission:

Labcorp Genetics (formerly Invitae), Labcorp
Classification: Uncertain significance for Developmental and epileptic encephalopathy 94. Last evaluated: 2023-02-15. Review status: criteria provided, single submitter. Criteria: Invitae Variant Classification Sherloc (09022015). Collection method: clinical testing. Allele origin: germline.
Comment: This variant has not been reported in the literature in individuals affected with CHD2-related conditions. This variant is not present in population databases (gnomAD no frequency). This sequence change replaces serine, which is neutral and polar, with cysteine, which is neutral and slightly polar, at codon 582 of the CHD2 protein (p.Ser582Cys). ClinVar contains an entry for this variant (Variation ID: 1471868). In summary, the available evidence is currently insufficient to determine the role of this variant in disease. Therefore, it has been classified as a Variant of Uncertain Significance. Advanced modeling of protein sequence and biophysical properties (such as structural, functional, and spatial information, amino acid conservation, physicochemical variation, residue mobility, and thermodynamic stability) performed at Invitae indicates that this missense variant is not expected to disrupt CHD2 protein function.

NM_001271.4(CHD2):c.1745C>G (p.Ser582Cys)

Gene: CHD2 (chromodomain helicase DNA binding protein 2; plus strand). Cytogenetic location: 15q26.1.
Variant type: single nucleotide variant.
Coding change: c.1745C>G on transcript NM_001271.4 (MANE Select); coding-DNA position 1745, C replaced by G.
Protein change: p.Ser582Cys; replaces serine 582 with cysteine.
Molecular consequence: missense variant.
Genome position (GRCh38, 1-based): chr15:92,955,448, C>G. VCF-style: chr15-92955448-C-G. GRCh37 (hg19) VCF-style: chr15-93498678-C-G.
Other names: short protein forms S582C.
Identifiers: ClinVar variation 1471868 (VCV001471868.6), dbSNP rs2053606798, ClinGen allele CA393905561.
Genomic context (GRCh38, chr15:92,955,448, plus strand): 5'-AGAAATTATGTCTTAATTATGTTTTTTTCTTATAGATACGGGAATATGAATGGATTCATT[C>G]CCAAACCAAAAGATTGAAGTTCAACGCACTTATAACAACATATGAGATCCTCTTGAAAGA-3'
Protein context (NP_001262.3, residues 572-592): NTIREYEWIH[Ser582Cys]QTKRLKFNAL